The following is an entry in ClinVar:

NM_003060.4(SLC22A5):c.818T>C (p.Leu273Pro)

Gene: SLC22A5 (solute carrier family 22 member 5; plus strand). Cytogenetic location: 5q31.1.
Variant type: single nucleotide variant.
Coding change: c.818T>C on transcript NM_003060.4 (MANE Select); coding-DNA position 818, T replaced by C.
Protein change: p.Leu273Pro; replaces leucine 273 with proline.
Molecular consequence: missense variant.
Genome position (GRCh38, 1-based): chr5:132,385,493, T>C. VCF-style: chr5-132385493-T-C. GRCh37 (hg19) VCF-style: chr5-131721185-T-C.
Other names: c.890T>C, p.Leu297Pro (NM_001308122.2); short protein forms L273P, L297P.
Identifiers: ClinVar variation 460417 (VCV000460417.14), dbSNP rs760320629, ClinGen allele CA3403981.

ClinVar aggregate classification (germline): Pathogenic/Likely pathogenic. Review status: criteria provided, multiple submitters, no conflicts (2 of 4 stars). 2 submissions from 2 submitters: Pathogenic (1); Likely pathogenic (1). Last evaluated 2025-09-26.

Conditions:
Renal carnitine transport defect (CDSP). Also called: Primary carnitine deficiency; CARNITINE DEFICIENCY, SYSTEMIC, DUE TO DEFECT IN RENAL REABSORPTION OF CARNITINE; CARNITINE TRANSPORTER, PLASMA-MEMBRANE, DEFICIENCY OF; CARNITINE UPTAKE DEFECT; Systemic primary carnitine deficiency; Systemic primary carnitine deficiency disease. Identifiers: Orphanet 158, MedGen C0342788, MONDO:0008919, OMIM 212140.

Allele frequency attached by ClinVar (database versions not stated): gnomAD exomes below 0.00001; ExAC 0.00001.
gnomAD v4.1: 1 of 1,614,112 alleles (0.000062%); highest among the groups gnomAD compares: Middle Eastern, 0.016%; no homozygotes.

Submissions (2):

Women's Health and Genetics/Laboratory Corporation of America, LabCorp
Classification: Likely pathogenic for Renal carnitine transport defect. Last evaluated: 2025-09-26. Review status: criteria provided, single submitter. Criteria: LabCorp Variant Classification Summary - May 2015. Collection method: clinical testing. Allele origin: germline.
Comment: Variant summary: SLC22A5 c.818T>C (p.Leu273Pro) results in a non-conservative amino acid change located in the Major facilitator superfamily domain (IPR020846) of the encoded protein sequence. Algorithms developed to predict the effect of missense changes on protein structure and function all suggest that this variant is likely to be disruptive. The variant allele was found at a frequency of 4e-06 in 251394 control chromosomes. c.818T>C has been observed in at least 2 related compound heterozygous individuals affected with Systemic Primary Carnitine Deficiency (example, Labcorp Genetics (formerly Invitae)), where it segregated with disease. These data indicate that the variant may be associated with disease. To our knowledge, no experimental evidence demonstrating an impact on protein function has been reported. ClinVar contains an entry for this variant (Variation ID: 460417). Based on the evidence outlined above, the variant was classified as likely pathogenic.

Labcorp Genetics (formerly Invitae), Labcorp
Classification: Pathogenic for Renal carnitine transport defect. Last evaluated: 2023-06-18. Review status: criteria provided, single submitter. Criteria: Invitae Variant Classification Sherloc (09022015). Collection method: clinical testing. Allele origin: germline.
Comment: For these reasons, this variant has been classified as Pathogenic. Advanced modeling of protein sequence and biophysical properties (such as structural, functional, and spatial information, amino acid conservation, physicochemical variation, residue mobility, and thermodynamic stability) performed at Invitae indicates that this missense variant is expected to disrupt SLC22A5 protein function. ClinVar contains an entry for this variant (Variation ID: 460417). This missense change has been observed in individual(s) with primary carnitine deficiency (Invitae). It has also been observed to segregate with disease in related individuals. This variant is present in population databases (rs760320629, gnomAD no frequency). This sequence change replaces leucine, which is neutral and non-polar, with proline, which is neutral and non-polar, at codon 273 of the SLC22A5 protein (p.Leu273Pro).